The following is an entry in ClinVar:

NM_024598.4(USB1):c.215G>A (p.Arg72His)

Gene: USB1 (U6 snRNA biogenesis phosphodiesterase 1; plus strand). Cytogenetic location: 16q21.
Variant type: single nucleotide variant.
Coding change: c.215G>A on transcript NM_024598.4 (MANE Select); coding-DNA position 215, G replaced by A.
Protein change: p.Arg72His; replaces arginine 72 with histidine.
Molecular consequence: missense variant.
Genome position (GRCh38, 1-based): chr16:58,002,595, G>A. VCF-style: chr16-58002595-G-A. GRCh37 (hg19) VCF-style: chr16-58036499-G-A.
Other names: c.215G>A, p.Arg72His (NM_001195302.2, NM_001204911.2, NM_001330569.2); c.62G>A, p.Arg21His (NM_001330568.2); short protein forms R21H, R72H.
Identifiers: ClinVar variation 1337810 (VCV001337810.10), dbSNP rs372917091, ClinGen allele CA281629909.

ClinVar aggregate classification (germline): Uncertain significance. Review status: criteria provided, multiple submitters, no conflicts (2 of 4 stars). 3 submissions from 3 submitters: Uncertain significance (3). Last evaluated 2025-05-05.

Conditions:
Inborn genetic diseases. Identifiers: MedGen C0950123, MeSH D030342.

Allele frequency attached by ClinVar (database versions not stated): ESP Exome Variant Server 0.00008.
gnomAD v4.1: 19 of 1,614,024 alleles (0.0012%); highest among the groups gnomAD compares: Middle Eastern, 0.016%; no homozygotes.

Submissions (3):

Labcorp Genetics (formerly Invitae), Labcorp
Classification: Uncertain significance. Last evaluated: 2025-05-05. Review status: criteria provided, single submitter. Criteria: Invitae Variant Classification Sherloc (09022015). Collection method: clinical testing. Allele origin: germline.
Comment: This sequence change replaces arginine, which is basic and polar, with histidine, which is basic and polar, at codon 72 of the USB1 protein (p.Arg72His). This variant is present in population databases (rs372917091, gnomAD 0.005%). This variant has not been reported in the literature in individuals affected with USB1-related conditions. ClinVar contains an entry for this variant (Variation ID: 1337810). Invitae Evidence Modeling of protein sequence and biophysical properties (such as structural, functional, and spatial information, amino acid conservation, physicochemical variation, residue mobility, and thermodynamic stability) indicates that this missense variant is expected to disrupt USB1 protein function with a positive predictive value of 80%. In summary, the available evidence is currently insufficient to determine the role of this variant in disease. Therefore, it has been classified as a Variant of Uncertain Significance.

Ambry Genetics
Classification: Uncertain significance for Inborn genetic diseases. Last evaluated: 2024-12-07. Review status: criteria provided, single submitter. Criteria: Ambry Variant Classification Scheme 2023. Collection method: clinical testing. Allele origin: germline.
Comment: The p.R72H variant (also known as c.215G>A), located in coding exon 2 of the USB1 gene, results from a G to A substitution at nucleotide position 215. The arginine at codon 72 is replaced by histidine, an amino acid with highly similar properties. This amino acid position is conserved. In addition, this alteration is predicted to be deleterious by in silico analysis. Based on the available evidence, the clinical significance of this variant remains unclear.

Genetic Services Laboratory, University of Chicago
Classification: Uncertain significance. Last evaluated: 2021-01-04. Review status: criteria provided, single submitter. Criteria: ACMG Guidelines, 2015. Collection method: clinical testing. Allele origin: germline. Affected: no.
Comment: DNA sequence analysis of the USB1 gene demonstrated a sequence change, c.215G>A, in exon 2 that results in an amino acid change, p.Arg72His. This sequence change does not appear to have been previously described in individuals with USB1-related disorders and has been described in the gnomAD database in two individuals with an overall population frequency of 0.0007% (dbSNP rs372917091). The p.Arg72His change affects a highly conserved amino acid residue located in a domain of the USB1 protein that is known to be functional. The p.Arg72His substitution appears to be deleterious using several in-silico pathogenicity prediction tools (SIFT, PolyPhen2, Align GVGD, REVEL). Due to these contrasting evidences and the lack of functional studies, the clinical significance of the p.Arg72His change remains unknown at this time.